The following is an entry in ClinVar:

NM_016955.4(SEPSECS):c.214G>A (p.Val72Met)

Gene: SEPSECS (Sep (O-phosphoserine) tRNA:Sec (selenocysteine) tRNA synthase; minus strand). Cytogenetic location: 4p15.2.
Variant type: single nucleotide variant.
Coding change: c.214G>A on transcript NM_016955.4 (MANE Select); coding-DNA position 214, G replaced by A.
Protein change: p.Val72Met; replaces valine 72 with methionine.
Molecular consequence: missense variant.
Genome position (GRCh38, 1-based): chr4:25,159,008, C>T on the plus strand (G>A on the coding strand, the complement: SEPSECS is on the minus strand). VCF-style: chr4-25159008-C-T. GRCh37 (hg19) VCF-style: chr4-25160630-C-T.
Other names: short protein forms V72M.
Identifiers: ClinVar variation 1369624 (VCV001369624.8), dbSNP rs2109039078, ClinGen allele CA356543346.

ClinVar aggregate classification (germline): Uncertain significance (1 of 4 stars; one submission).

Submission:

Labcorp Genetics (formerly Invitae), Labcorp
Classification: Uncertain significance. Last evaluated: 2022-05-27. Review status: criteria provided, single submitter. Criteria: Invitae Variant Classification Sherloc (09022015). Collection method: clinical testing. Allele origin: germline.
Comment: This sequence change replaces valine, which is neutral and non-polar, with methionine, which is neutral and non-polar, at codon 72 of the SEPSECS protein (p.Val72Met). This variant is not present in population databases (gnomAD no frequency). This variant has not been reported in the literature in individuals affected with SEPSECS-related conditions. Algorithms developed to predict the effect of missense changes on protein structure and function are either unavailable or do not agree on the potential impact of this missense change (SIFT: "Deleterious"; PolyPhen-2: "Probably Damaging"; Align-GVGD: "Class C0"). In summary, the available evidence is currently insufficient to determine the role of this variant in disease. Therefore, it has been classified as a Variant of Uncertain Significance.